The following is an entry in ClinVar:

ClinVar aggregate classification (germline): Pathogenic/Likely pathogenic. Review status: criteria provided, multiple submitters, no conflicts (2 of 4 stars). 5 submissions from 5 submitters: Pathogenic (3); Likely pathogenic (1). 1 of the submissions does not count toward it. Last evaluated 2023-12-08.

Conditions:
Neurodevelopmental disorder with or without anomalies of the brain, eye, or heart (NEDBEH). Identifiers: Orphanet 494344, MedGen C5567477, MONDO:0014857, OMIM 616975.

Submissions (5):

3billion
Classification: Pathogenic for Neurodevelopmental disorder with or without anomalies of the brain, eye, or heart. Last evaluated: 2023-12-08. Review status: criteria provided, single submitter. Criteria: ACMG Guidelines, 2015. Collection method: clinical testing. Allele origin: germline. Affected: yes.
Comment: The variant is not observed in the gnomAD v2.1.1 dataset. Predicted Consequence/Location: The variant is located in a mutational hot spot and/or well-established functional domain in which established pathogenic variants have been reported. In silico tool predictions suggest damaging effect of the variant on gene or gene product [REVEL: 0.78 (>=0.6, sensitivity 0.68 and specificity 0.92); 3Cnet: 0.98 (>=0.6, sensitivity 0.72 and precision 0.9)]. Same nucleotide change resulting in same amino acid change has been previously reported as pathogenic/likely pathogenic with strong evidence (ClinVar ID: VCV000522858 /PMID: 29330883). The variant has been previously reported as de novo in a similarly affected individual (PMID: 29330883). Different missense changes at the same codon (p.His1435Gln, p.His1435Leu, p.His1435Tyr) have been reported as pathogenic/likely pathogenic with strong evidence (ClinVar ID: VCV000452391, VCV000545041, VCV000562005 /PMID: 29330883). Therefore, this variant is classified as Pathogenic according to the recommendation of ACMG/AMP guideline.

GeneDx
Classification: Pathogenic. Last evaluated: 2023-02-24. Review status: criteria provided, single submitter. Criteria: GeneDx Variant Classification Process June 2021. Collection method: clinical testing. Allele origin: germline. Affected: yes.
Comment: Not observed at significant frequency in large population cohorts (gnomAD); In silico analysis supports that this missense variant has a deleterious effect on protein structure/function; This variant is associated with the following publications: (PMID: 29330883)

Daryl Scott Lab, Baylor College of Medicine
Classification: Pathogenic for Neurodevelopmental disorder with or without anomalies of the brain, eye, or heart. Last evaluated: 2017-09-12. Review status: criteria provided, single submitter. Criteria: Jordan VK et al. (Hum Mutat 2018). Collection method: clinical testing. Allele origin: de novo. Affected: yes. Observed: 1 variant allele.

Undiagnosed Diseases Network, NIH
Classification: Likely pathogenic for Neurodevelopmental disorder with or without anomalies of the brain, eye, or heart. Last evaluated: 2016-10-17. Review status: criteria provided, single submitter. Criteria: ACMG Guidelines, 2015. Collection method: clinical testing. Allele origin: de novo. Inheritance: Autosomal dominant inheritance. Affected: yes. Observed: 1 variant allele, 1 heterozygote. Study: Undiagnosed Diseases Network (NIH), UDN.

OMIM
Classification: Pathogenic for NEURODEVELOPMENTAL DISORDER WITH ANOMALIES OF THE BRAIN AND HEART. Last evaluated: 2022-04-19. Review status: no assertion criteria provided. Collection method: literature only. Allele origin: germline. Not counted in ClinVar's aggregate classification.

Literature cited by the submitters: PubMed 29330883 (cited by 3billion and OMIM).

NM_001042681.2(RERE):c.4304A>G (p.His1435Arg)

Gene: RERE (arginine-glutamic acid dipeptide repeats; minus strand). Cytogenetic location: 1p36.23.
Variant type: single nucleotide variant.
Coding change: c.4304A>G on transcript NM_001042681.2 (MANE Select); coding-DNA position 4304, A replaced by G.
Protein change: p.His1435Arg; replaces histidine 1435 with arginine.
Molecular consequence: missense variant.
Genome position (GRCh38, 1-based): chr1:8,358,231, T>C on the plus strand (A>G on the coding strand, the complement: RERE is on the minus strand). VCF-style: chr1-8358231-T-C. GRCh37 (hg19) VCF-style: chr1-8418291-T-C.
Other names: c.2642A>G, p.His881Arg (NM_001042682.2); c.4304A>G, p.His1435Arg (NM_012102.4); short protein forms H1435R, H881R.
Identifiers: ClinVar variation 522858 (VCV000522858.6), dbSNP rs1553154130, ClinGen allele CA338168783.